The following is an entry in ClinVar:

ClinVar aggregate classification (germline): Likely benign (1 of 4 stars; one submission).

Allele frequency attached by ClinVar (database versions not stated): ExAC 0.00004; gnomAD 0.00005; gnomAD exomes 0.00008.
gnomAD v4.1: 118 of 1,613,832 alleles (0.0073%); highest among the groups gnomAD compares: Non-Finnish European, 0.0092%; no homozygotes.

Submission:

CeGaT Center for Human Genetics Tuebingen
Classification: Likely benign. Last evaluated: 2023-01-01. Review status: criteria provided, single submitter. Criteria: CeGaT Center For Human Genetics Tuebingen Variant Classification Criteria Version 2. Collection method: clinical testing. Allele origin: germline. Affected: yes. Observed: 1 variant allele.
Comment: CTTN: BP4, BP7

NM_005231.4(CTTN):c.1581C>T (p.Asp527=)

Gene: CTTN (cortactin; plus strand). Cytogenetic location: 11q13.3.
Variant type: single nucleotide variant.
Coding change: c.1581C>T on transcript NM_005231.4 (MANE Select); coding-DNA position 1581, C replaced by T.
Protein change: p.Asp527=; no amino-acid change (aspartic acid 527 retained).
Molecular consequence: synonymous variant.
Genome position (GRCh38, 1-based): chr11:70,435,090, C>T. VCF-style: chr11-70435090-C-T. GRCh37 (hg19) VCF-style: chr11-70281196-C-T.
Other names: c.1470C>T, p.Asp490= (NM_001184740.2, NM_138565.3).
Identifiers: ClinVar variation 2642067 (VCV002642067.24), dbSNP rs772572367, ClinGen allele CA6160508.